The following is an entry in ClinVar:

ClinVar aggregate classification (germline): Uncertain significance (1 of 4 stars; one submission).

Conditions:
Duchenne muscular dystrophy (DMD). Also called: Duchenne Muscular Dystrophy (DMD); MUSCULAR DYSTROPHY, PSEUDOHYPERTROPHIC PROGRESSIVE, DUCHENNE TYPE. Identifiers: Orphanet 98896, MedGen C0013264, MONDO:0010679, OMIM 310200.

Allele frequency attached by ClinVar (database versions not stated): gnomAD 0.00001.
gnomAD v4.1: 2 of 1,209,414 alleles (0.00017%); highest among the groups gnomAD compares: East Asian, 0.003%; no homozygotes.

Submission:

Labcorp Genetics (formerly Invitae), Labcorp
Classification: Uncertain significance for Duchenne muscular dystrophy. Last evaluated: 2021-09-01. Review status: criteria provided, single submitter. Criteria: Invitae Variant Classification Sherloc (09022015). Collection method: clinical testing. Allele origin: germline.
Comment: This sequence change replaces alanine with valine at codon 1403 of the DMD protein (p.Ala1403Val). The alanine residue is highly conserved and there is a small physicochemical difference between alanine and valine. This variant is not present in population databases (ExAC no frequency). This variant has not been reported in the literature in individuals affected with DMD-related conditions. Algorithms developed to predict the effect of missense changes on protein structure and function are either unavailable or do not agree on the potential impact of this missense change (SIFT: "Tolerated"; PolyPhen-2: "Possibly Damaging"; Align-GVGD: "Class C0"). Algorithms developed to predict the effect of sequence changes on RNA splicing suggest that this variant may create or strengthen a splice site. In summary, the available evidence is currently insufficient to determine the role of this variant in disease. Therefore, it has been classified as a Variant of Uncertain Significance.

NM_004006.3(DMD):c.4208C>T (p.Ala1403Val)

Gene: DMD (dystrophin; minus strand). Cytogenetic location: Xp21.1.
Variant type: single nucleotide variant.
Coding change: c.4208C>T on transcript NM_004006.3 (MANE Select); coding-DNA position 4208, C replaced by T.
Protein change: p.Ala1403Val; replaces alanine 1403 with valine.
Molecular consequence: missense variant.
Genome position (GRCh38, 1-based): chrX:32,411,777, G>A on the plus strand (C>T on the coding strand, the complement: DMD is on the minus strand). VCF-style: chrX-32411777-G-A. GRCh37 (hg19) VCF-style: chrX-32429894-G-A.
Other names: c.4184C>T, p.Ala1395Val (NM_000109.4); c.4196C>T, p.Ala1399Val (NM_004009.3); c.3839C>T, p.Ala1280Val (NM_004010.3); c.185C>T, p.Ala62Val (NM_004011.4); c.176C>T, p.Ala59Val (NM_004012.4); short protein forms A1280V, A1395V, A1399V, A1403V, A59V, A62V.
Identifiers: ClinVar variation 933597 (VCV000933597.4), dbSNP rs1267618995, ClinGen allele CA412666082.